The following is an entry in ClinVar:

NM_004329.3(BMPR1A):c.107A>C (p.Lys36Thr)

Gene: BMPR1A (bone morphogenetic protein receptor type 1A; plus strand). Cytogenetic location: 10q23.2.
Variant type: single nucleotide variant.
Coding change: c.107A>C on transcript NM_004329.3 (MANE Select); coding-DNA position 107, A replaced by C.
Protein change: p.Lys36Thr; replaces lysine 36 with threonine.
Molecular consequence: missense variant.
Genome position (GRCh38, 1-based): chr10:86,890,101, A>C. VCF-style: chr10-86890101-A-C. GRCh37 (hg19) VCF-style: chr10-88649858-A-C.
Other names: short protein forms K36T.
Identifiers: ClinVar variation 630965 (VCV000630965.14), dbSNP rs1564714779, ClinGen allele CA377446416.

ClinVar aggregate classification (germline): Uncertain significance. Review status: criteria provided, multiple submitters, no conflicts (2 of 4 stars). 3 submissions from 3 submitters: Uncertain significance (3). Last evaluated 2025-04-14.

Conditions:
Juvenile polyposis syndrome (JPS). Identifiers: Orphanet 2929, MedGen C0345893, MONDO:0017380, OMIM 174900.
Hereditary cancer-predisposing syndrome. Also called: Hereditary Cancer Syndrome; Neoplastic Syndromes, Hereditary; Tumor predisposition; Hereditary neoplastic syndrome. Identifiers: Orphanet 140162, MedGen C0027672, MeSH D009386, MONDO:0015356.

Submissions (3):

Ambry Genetics
Classification: Uncertain significance for Hereditary cancer-predisposing syndrome. Last evaluated: 2025-04-14. Review status: criteria provided, single submitter. Criteria: Ambry Variant Classification Scheme 2023. Collection method: clinical testing. Allele origin: germline.
Comment: The p.K36T variant (also known as c.107A>C), located in coding exon 2 of the BMPR1A gene, results from an A to C substitution at nucleotide position 107. The lysine at codon 36 is replaced by threonine, an amino acid with similar properties. This amino acid position is highly conserved in available vertebrate species. In addition, the in silico prediction for this alteration is inconclusive. Based on the available evidence, the clinical significance of this variant remains unclear.

Color Diagnostics, LLC DBA Color Health
Classification: Uncertain significance for Hereditary cancer-predisposing syndrome. Last evaluated: 2023-12-04. Review status: criteria provided, single submitter. Criteria: ACMG Guidelines, 2015. Collection method: clinical testing. Allele origin: germline.
Comment: This missense variant replaces lysine with threonine at codon 36 of the BMPR1A protein. Computational prediction suggests that this variant may not impact protein structure and function (internally defined REVEL score threshold <= 0.5, PMID: 27666373). To our knowledge, functional studies have not been reported for this variant. This variant has not been reported in individuals affected with BMPR1A-related disorders in the literature. This variant has not been identified in the general population by the Genome Aggregation Database (gnomAD). The available evidence is insufficient to determine the role of this variant in disease conclusively. Therefore, this variant is classified as a Variant of Uncertain Significance.

Labcorp Genetics (formerly Invitae), Labcorp
Classification: Uncertain significance for Juvenile polyposis syndrome. Last evaluated: 2022-06-01. Review status: criteria provided, single submitter. Criteria: Invitae Variant Classification Sherloc (09022015). Collection method: clinical testing. Allele origin: germline.
Comment: This sequence change replaces lysine, which is basic and polar, with threonine, which is neutral and polar, at codon 36 of the BMPR1A protein (p.Lys36Thr). This variant is not present in population databases (gnomAD no frequency). This variant has not been reported in the literature in individuals affected with BMPR1A-related conditions. ClinVar contains an entry for this variant (Variation ID: 630965). Advanced modeling of protein sequence and biophysical properties (such as structural, functional, and spatial information, amino acid conservation, physicochemical variation, residue mobility, and thermodynamic stability) performed at Invitae indicates that this missense variant is not expected to disrupt BMPR1A protein function. In summary, the available evidence is currently insufficient to determine the role of this variant in disease. Therefore, it has been classified as a Variant of Uncertain Significance.